The following is an entry in ClinVar:

NM_000384.3(APOB):c.3646G>A (p.Val1216Ile)

Gene: APOB (apolipoprotein B; minus strand). Cytogenetic location: 2p24.1.
Variant type: single nucleotide variant.
Coding change: c.3646G>A on transcript NM_000384.3 (MANE Select); coding-DNA position 3646, G replaced by A.
Protein change: p.Val1216Ile; replaces valine 1216 with isoleucine.
Molecular consequence: missense variant.
Genome position (GRCh38, 1-based): chr2:21,015,123, C>T on the plus strand (G>A on the coding strand, the complement: APOB is on the minus strand). VCF-style: chr2-21015123-C-T. GRCh37 (hg19) VCF-style: chr2-21237995-C-T.
Other names: short protein forms V1216I.
Identifiers: ClinVar variation 3759146 (VCV003759146.2).

ClinVar aggregate classification (germline): Uncertain significance (1 of 4 stars; one submission).

Conditions:
Familial hypobetalipoproteinemia 1. Also called: APOB-Related Familial Hypobetalipoproteinemia; Hypobetalipoproteinemia, normotriglyceridemic; Acanthocytosis with hypobetalipoproteinemia. Identifiers: MedGen C4551990, MONDO:0014252, OMIM 615558.
Hypercholesterolemia, autosomal dominant, type B (FHCL2). Also called: Familial Hypercholesterolemia Type B; APOLIPOPROTEIN B-100, FAMILIAL DEFECTIVE; APOLIPOPROTEIN B-100, FAMILIAL LIGAND-DEFECTIVE; HYPERCHOLESTEROLEMIA, FAMILIAL, DUE TO LIGAND-DEFECTIVE APOLIPOPROTEIN B; Hyperlipoproteinemia Type IIb; Familial hypercholesterolemia 2. Identifiers: MedGen C1704417, MONDO:0007751, OMIM 144010.

gnomAD v4.1: 1 of 1,614,196 alleles (0.000062%); highest among the groups gnomAD compares: Non-Finnish European, 0.000085%; no homozygotes.

Submission:

Labcorp Genetics (formerly Invitae), Labcorp
Classification: Uncertain significance for Familial hypobetalipoproteinemia 1; Hypercholesterolemia, autosomal dominant, type B. Last evaluated: 2024-05-27. Review status: criteria provided, single submitter. Criteria: Invitae Variant Classification Sherloc (09022015). Collection method: clinical testing. Allele origin: germline.
Comment: This sequence change replaces valine, which is neutral and non-polar, with isoleucine, which is neutral and non-polar, at codon 1216 of the APOB protein (p.Val1216Ile). This variant is not present in population databases (gnomAD no frequency). This variant has not been reported in the literature in individuals affected with APOB-related conditions. Advanced modeling of protein sequence and biophysical properties (such as structural, functional, and spatial information, amino acid conservation, physicochemical variation, residue mobility, and thermodynamic stability) performed at Invitae indicates that this missense variant is not expected to disrupt APOB protein function with a negative predictive value of 95%. In summary, the available evidence is currently insufficient to determine the role of this variant in disease. Therefore, it has been classified as a Variant of Uncertain Significance.